The following is an entry in ClinVar:

ClinVar aggregate classification (germline): Uncertain significance. Review status: criteria provided, multiple submitters, no conflicts (2 of 4 stars). 2 submissions from 2 submitters: Uncertain significance (2). Last evaluated 2025-08-26.

Conditions:
Hypertrophic cardiomyopathy 10. Also called: CARDIOMYOPATHY, HYPERTROPHIC, MID-LEFT VENTRICULAR CHAMBER TYPE, 2; MYL2-Related Familial Hypertrophic Cardiomyopathy. Identifiers: MedGen C1834460, MONDO:0012112, OMIM 608758.
Cardiomyopathy (CMYO). Also called: Cardiomyopathies. Identifiers: Orphanet 167848, MedGen C0878544, MONDO:0004994, HP:0001638. Inheritance: Various modes of inheritance.

Submissions (2):

Color Diagnostics, LLC DBA Color Health
Classification: Uncertain significance for Cardiomyopathy. Last evaluated: 2025-08-26. Review status: criteria provided, single submitter. Criteria: ACMG Guidelines, 2015. Collection method: clinical testing. Allele origin: germline.
Comment: This missense variant replaces glutamic acid with glutamine at codon 22 of the MYL2 protein. Computational prediction is inconclusive regarding the impact of this variant on protein structure and function. To our knowledge, functional studies have not been reported for this variant. This variant has not been reported in individuals affected with MYL2-related disorders in the literature. This variant has been identified in 2/251472 chromosomes in the general population by the Genome Aggregation Database (gnomAD). The available evidence is insufficient to determine the role of this variant in disease conclusively. Therefore, this variant is classified as a Variant of Uncertain Significance.

Labcorp Genetics (formerly Invitae), Labcorp
Classification: Uncertain significance for Hypertrophic cardiomyopathy 10. Last evaluated: 2025-06-03. Review status: criteria provided, single submitter. Criteria: Invitae Variant Classification Sherloc (09022015). Collection method: clinical testing. Allele origin: germline.
Comment: This sequence change replaces glutamic acid, which is acidic and polar, with glutamine, which is neutral and polar, at codon 22 of the MYL2 protein (p.Glu22Gln). This variant is present in population databases (rs104894368, gnomAD 0.007%). This variant has not been reported in the literature in individuals affected with MYL2-related conditions. An algorithm developed to predict the effect of missense changes on protein structure and function (PolyPhen-2) suggests that this variant is likely to be disruptive. This variant disrupts the p.Glu22 amino acid residue in MYL2. Other variant(s) that disrupt this residue have been determined to be pathogenic (PMID: 8673105, 12404107, 26497160, 27532257). This suggests that this residue is clinically significant, and that variants that disrupt this residue are likely to be disease-causing. In summary, the available evidence is currently insufficient to determine the role of this variant in disease. Therefore, it has been classified as a Variant of Uncertain Significance.

Literature cited by the submitters: PubMed 8673105 (cited by Labcorp Genetics (formerly Invitae), Labcorp); PubMed 12404107 (cited by Labcorp Genetics (formerly Invitae), Labcorp); PubMed 26497160 (cited by Labcorp Genetics (formerly Invitae), Labcorp); PubMed 27532257 (cited by Labcorp Genetics (formerly Invitae), Labcorp).

NM_000432.4(MYL2):c.64G>C (p.Glu22Gln)

Genes: MYL2 (myosin light chain 2; minus strand), LOC114827850 (VISTA enhancer hs2149; plus strand). Cytogenetic location: 12q24.11.
Variant type: single nucleotide variant.
Coding change: c.64G>C on transcript NM_000432.4 (MANE Select); coding-DNA position 64, G replaced by C.
Protein change: p.Glu22Gln; replaces glutamic acid 22 with glutamine.
Molecular consequence: missense variant.
Genome position (GRCh38, 1-based): chr12:110,919,133, C>G on the plus strand (G>C on the coding strand, the complement: MYL2 is on the minus strand). VCF-style: chr12-110919133-C-G. GRCh37 (hg19) VCF-style: chr12-111356937-C-G.
Other names: c.64G>C, p.Glu22Gln (NM_001406745.1); c.7G>C, p.Glu3Gln (NM_001406916.1); short protein forms E3Q, E22Q.
Identifiers: ClinVar variation 4737558 (VCV004737558.1).